The following is an entry in ClinVar:

NM_001082486.2(ACD):c.1172C>T (p.Ala391Val)

Gene: ACD (ACD shelterin complex subunit and telomerase recruitment factor; minus strand). Cytogenetic location: 16q22.1.
Variant type: single nucleotide variant.
Coding change: c.1172C>T on transcript NM_001082486.2 (MANE Select); coding-DNA position 1172, C replaced by T.
Protein change: p.Ala391Val; replaces alanine 391 with valine.
Molecular consequence: missense variant.
Genome position (GRCh38, 1-based): chr16:67,658,020, G>A on the plus strand (C>T on the coding strand, the complement: ACD is on the minus strand). VCF-style: chr16-67658020-G-A. GRCh37 (hg19) VCF-style: chr16-67691923-G-A.
Other names: c.1085C>T, p.Ala362Val (NM_001410884.1); c.1163C>T, p.Ala388Val (NM_022914.3); short protein forms A362V, A388V, A391V.
Identifiers: ClinVar variation 2562320 (VCV002562320.2), dbSNP rs1363810231, ClinGen allele CA396351707.

ClinVar aggregate classification (germline): Uncertain significance (1 of 4 stars; one submission).

Conditions:
Inborn genetic diseases. Identifiers: MedGen C0950123, MeSH D030342.

Allele frequency attached by ClinVar (database versions not stated): gnomAD exomes below 0.00001.

Submission:

Ambry Genetics
Classification: Uncertain significance for Inborn genetic diseases. Last evaluated: 2023-05-04. Review status: criteria provided, single submitter. Criteria: Ambry Variant Classification Scheme 2023. Collection method: clinical testing. Allele origin: germline.
Comment: The p.A477V variant (also known as c.1430C>T), located in coding exon 10 of the ACD gene, results from a C to T substitution at nucleotide position 1430. The alanine at codon 477 is replaced by valine, an amino acid with similar properties. This amino acid position is conserved. In addition, this alteration is predicted to be tolerated by in silico analysis. Since supporting evidence is limited at this time, the clinical significance of this alteration remains unclear.